The following is an entry in ClinVar:

NM_020693.4(DSCAML1):c.3665G>A (p.Arg1222His)

Gene: DSCAML1 (DS cell adhesion molecule like 1; minus strand). Cytogenetic location: 11q23.3.
Variant type: single nucleotide variant.
Coding change: c.3665G>A on transcript NM_020693.4 (MANE Select); coding-DNA position 3665, G replaced by A.
Protein change: p.Arg1222His; replaces arginine 1222 with histidine.
Molecular consequence: missense variant.
Genome position (GRCh38, 1-based): chr11:117,450,592, C>T on the plus strand (G>A on the coding strand, the complement: DSCAML1 is on the minus strand). VCF-style: chr11-117450592-C-T. GRCh37 (hg19) VCF-style: chr11-117321308-C-T.
Other names: short protein forms R1222H.
Identifiers: ClinVar variation 2968810 (VCV002968810.3), dbSNP rs769756412, ClinGen allele CA6296630.

ClinVar aggregate classification (germline): Uncertain significance (1 of 4 stars; one submission).

Allele frequency attached by ClinVar (database versions not stated): gnomAD 0.00001; ExAC 0.00002; TOPMed 0.00002.
gnomAD v4.1: 29 of 1,614,088 alleles (0.0018%); highest among the groups gnomAD compares: Middle Eastern, 0.18%; no homozygotes.

Submission:

Labcorp Genetics (formerly Invitae), Labcorp
Classification: Uncertain significance. Last evaluated: 2023-11-27. Review status: criteria provided, single submitter. Criteria: Invitae Variant Classification Sherloc (09022015). Collection method: clinical testing. Allele origin: germline.
Comment: This sequence change replaces arginine, which is basic and polar, with histidine, which is basic and polar, at codon 1282 of the DSCAML1 protein (p.Arg1282His). This variant is present in population databases (rs769756412, gnomAD 0.006%). This variant has not been reported in the literature in individuals affected with DSCAML1-related conditions. An algorithm developed to predict the effect of missense changes on protein structure and function (PolyPhen-2) suggests that this variant is likely to be disruptive. In summary, the available evidence is currently insufficient to determine the role of this variant in disease. Therefore, it has been classified as a Variant of Uncertain Significance.